The following is an entry in ClinVar:

ClinVar aggregate classification (germline): Conflicting classifications of pathogenicity. Review status: criteria provided, conflicting classifications (1 of 4 stars). 6 submissions from 4 submitters: Uncertain significance (2); Benign (1); Likely benign (2). 1 of the submissions does not count toward it. Last evaluated 2024-02-26.

Conditions:
Maturity-onset diabetes of the young type 13. Also called: MODY, TYPE 13. Identifiers: Orphanet 552, MedGen C4225365, MONDO:0014589, OMIM 616329.
Maturity-onset diabetes of the young (MODY). Also called: Maturity onset diabetes mellitus in young. Identifiers: Orphanet 552, MedGen C0342276, MONDO:0018911, HP:0004904.
Diabetes mellitus, transient neonatal, 3 (TNDM3). Identifiers: Orphanet 99886, MedGen C1864623, MONDO:0012522, OMIM 610582. Disease mechanism: loss of function.
Permanent neonatal diabetes mellitus (PNDM). Identifiers: Orphanet 99885, MedGen C1833104, MONDO:0100164, MONDO:0011643. Disease mechanism: gain of function.
Hyperinsulinemic hypoglycemia, familial, 2. Also called: HYPERINSULINEMIC HYPOGLYCEMIA, PERSISTENT; HYPERINSULINISM, NEONATAL. Identifiers: Orphanet 276580, Orphanet 276603, MedGen C2931833, MONDO:0011153, OMIM 601820. Disease mechanism: loss of function.

Allele frequency attached by ClinVar (database versions not stated): gnomAD 0.00001 and 0.00002; TOPMed 0.00001; gnomAD exomes 0.00002 and 0.00003; ExAC 0.00003.

Submissions (6):

Labcorp Genetics (formerly Invitae), Labcorp
Classification: Likely benign. Last evaluated: 2024-02-26. Review status: criteria provided, single submitter. Criteria: Invitae Variant Classification Sherloc (09022015). Collection method: clinical testing. Allele origin: germline.

Illumina Laboratory Services, Illumina
Classification: Benign for Diabetes mellitus, transient neonatal, 3. Last evaluated: 2018-01-12. Review status: criteria provided, single submitter. Criteria: ICSL Variant Classification Criteria 13 December 2019. Collection method: clinical testing. Allele origin: germline.
Comment: This variant was observed in the ICSL laboratory as part of a predisposition screen in an ostensibly healthy population. It had not been previously curated by ICSL or reported in the Human Gene Mutation Database (HGMD: prior to June 1st, 2018), and was therefore a candidate for classification through an automated scoring system. Utilizing variant allele frequency, disease prevalence and penetrance estimates, and inheritance mode, an automated score was calculated to assess if this variant is too frequent to cause the disease. Based on the score and internal cut-off values, a variant classified as benign is not then subjected to further curation. The score for this variant resulted in a classification of benign for this disease.

Illumina Laboratory Services, Illumina
Classification: Likely benign for Maturity-onset diabetes of the young type 13. Last evaluated: 2018-01-12. Review status: criteria provided, single submitter. Criteria: ICSL Variant Classification Criteria 13 December 2019. Collection method: clinical testing. Allele origin: germline.
Comment: This variant was observed in the ICSL laboratory as part of a predisposition screen in an ostensibly healthy population. It had not been previously curated by ICSL or reported in the Human Gene Mutation Database (HGMD: prior to June 1st, 2018), and was therefore a candidate for classification through an automated scoring system. Utilizing variant allele frequency, disease prevalence and penetrance estimates, and inheritance mode, an automated score was calculated to assess if this variant is too frequent to cause the disease. Based on the score and internal cut-off values, a variant classified as likely benign is not then subjected to further curation. The score for this variant resulted in a classification of likely benign for this disease.

Illumina Laboratory Services, Illumina
Classification: Uncertain significance for Hyperinsulinemic hypoglycemia, familial, 2. Last evaluated: 2018-01-12. Review status: criteria provided, single submitter. Criteria: ICSL Variant Classification Criteria 13 December 2019. Collection method: clinical testing. Allele origin: germline.

Clinical Genomics, Uppaluri K&H Personalized Medicine Clinic
Classification: Uncertain significance for Maturity-onset diabetes of the young. Review status: criteria provided, single submitter. Criteria: K & H Uppaluri Personalized Medicine Clinic Variant Classification & Assertion Criteria_Updated V.1. Collection method: research. Allele origin: somatic. Inheritance: Autosomal dominant inheritance.
Comment: Mutations in KCNJ11 gene can cause decreased production and secretion of insulin. This can lead to MODY which may be responsive to oral sulfonylureas. It is also associated with Neonatal Diabetes. However, no sufficient evidence is found to ascertain the role of this particular variant (rs778225010) in MODY yet.

Natera, Inc.
Classification: Uncertain significance for Permanent neonatal diabetes mellitus. Last evaluated: 2020-04-13. Review status: no assertion criteria provided. Collection method: clinical testing. Allele origin: germline. Not counted in ClinVar's aggregate classification.

Literature cited by the submitters: PubMed 18767144 (cited by Clinical Genomics, Uppaluri K&H Personalized Medicine Clinic); PubMed 26448950 (cited by Clinical Genomics, Uppaluri K&H Personalized Medicine Clinic); PubMed 15580558 (cited by Clinical Genomics, Uppaluri K&H Personalized Medicine Clinic); PubMed 15718250 (cited by Clinical Genomics, Uppaluri K&H Personalized Medicine Clinic); PubMed 32935446 (cited by Clinical Genomics, Uppaluri K&H Personalized Medicine Clinic); PubMed 22701567 (cited by Clinical Genomics, Uppaluri K&H Personalized Medicine Clinic).

NM_000525.4(KCNJ11):c.804C>T (p.Tyr268=)

Gene: KCNJ11 (potassium inwardly rectifying channel subfamily J member 11; minus strand). Cytogenetic location: 11p15.1.
Variant type: single nucleotide variant.
Coding change: c.804C>T on transcript NM_000525.4 (MANE Select); coding-DNA position 804, C replaced by T.
Protein change: p.Tyr268=; no amino-acid change (tyrosine 268 retained).
Molecular consequence: synonymous variant.
Genome position (GRCh38, 1-based): chr11:17,387,288, G>A on the plus strand (C>T on the coding strand, the complement: KCNJ11 is on the minus strand). VCF-style: chr11-17387288-G-A. GRCh37 (hg19) VCF-style: chr11-17408835-G-A.
Other names: c.543C>T, p.Tyr181= (NM_001166290.2, NM_001377296.1, NM_001377297.1).
Identifiers: ClinVar variation 303735 (VCV000303735.16), dbSNP rs778225010, ClinGen allele CA5902245.